The following is an entry in ClinVar:

NM_004713.6(NEMF):c.2565T>C (p.His855=)

Gene: NEMF (nuclear export mediator factor; minus strand). Cytogenetic location: 14q21.3.
Variant type: single nucleotide variant.
Coding change: c.2565T>C on transcript NM_004713.6 (MANE Select); coding-DNA position 2565, T replaced by C.
Protein change: p.His855=; no amino-acid change (histidine 855 retained).
Molecular consequence: synonymous variant.
Genome position (GRCh38, 1-based): chr14:49,795,845, A>G on the plus strand (T>C on the coding strand, the complement: NEMF is on the minus strand). VCF-style: chr14-49795845-A-G. GRCh37 (hg19) VCF-style: chr14-50262563-A-G.
Other names: c.2502T>C, p.His834= (NM_001301732.3).
Identifiers: ClinVar variation 2644215 (VCV002644215.24), dbSNP rs377268203, ClinGen allele CA7174899.

ClinVar aggregate classification (germline): Likely benign (1 of 4 stars; one submission).

Allele frequency attached by ClinVar (database versions not stated): gnomAD exomes 0.00003; ExAC 0.00005; gnomAD 0.00005; TOPMed 0.00005; ESP Exome Variant Server 0.00008.
gnomAD v4.1: 50 of 1,613,328 alleles (0.0031%); highest among the groups gnomAD compares: Non-Finnish European, 0.0041%; no homozygotes.

Submission:

CeGaT Center for Human Genetics Tuebingen
Classification: Likely benign. Last evaluated: 2023-06-01. Review status: criteria provided, single submitter. Criteria: CeGaT Center For Human Genetics Tuebingen Variant Classification Criteria Version 2. Collection method: clinical testing. Allele origin: germline. Affected: yes. Observed: 1 variant allele.
Comment: NEMF: BP4, BP7